The following is an entry in ClinVar:

NM_033305.3(VPS13A):c.3320T>C (p.Ile1107Thr)

Gene: VPS13A (vacuolar protein sorting 13 homolog A; plus strand). Cytogenetic location: 9q21.2.
Variant type: single nucleotide variant.
Coding change: c.3320T>C on transcript NM_033305.3 (MANE Select); coding-DNA position 3320, T replaced by C.
Protein change: p.Ile1107Thr; replaces isoleucine 1107 with threonine.
Molecular consequence: missense variant.
Genome position (GRCh38, 1-based): chr9:77,283,631, T>C. VCF-style: chr9-77283631-T-C. GRCh37 (hg19) VCF-style: chr9-79898547-T-C.
Other names: c.3203T>C, p.Ile1068Thr (NM_001018037.2); c.3320T>C, p.Ile1107Thr (NM_001018038.3, NM_015186.4); short protein forms I1068T, I1107T.
Identifiers: ClinVar variation 3893487 (VCV003893487.2).
Genomic context (GRCh38, chr9:77,283,631, plus strand): 5'-GGCCTTCAGAAACTGAAATAAACGCAAAGCTAAGGAATATAATTGTTTTAGATTCTGATA[T>C]AACAGCTATATACAAAAAGGTAAGAATTCTTTTAATTAAATAATAGTACATCATTAAATA-3'
Protein context (NP_150648.2, residues 1097-1117): LRNIIVLDSD[Ile1107Thr]TAIYKKAVYI

ClinVar aggregate classification (germline): Uncertain significance. Review status: criteria provided, multiple submitters, no conflicts (2 of 4 stars). 2 submissions from 2 submitters: Uncertain significance (2). Last evaluated 2025-07-18.

Conditions:
Inborn genetic diseases. Identifiers: MedGen C0950123, MeSH D030342.

gnomAD v4.1: 8 of 1,608,014 alleles (0.0005%); highest among the groups gnomAD compares: Admixed American, 0.0067%; no homozygotes.

Submissions (2):

Ambry Genetics
Classification: Uncertain significance for Inborn genetic diseases. Last evaluated: 2025-07-18. Review status: criteria provided, single submitter. Criteria: Ambry Variant Classification Scheme 2023. Collection method: clinical testing. Allele origin: germline.

GeneDx
Classification: Uncertain significance. Last evaluated: 2024-10-26. Review status: criteria provided, single submitter. Criteria: GeneDx Variant Classification Process June 2021. Collection method: clinical testing. Allele origin: germline. Affected: yes.
Comment: Not observed at significant frequency in large population cohorts (gnomAD); In silico analysis indicates that this missense variant does not alter protein structure/function; Has not been previously published as pathogenic or benign to our knowledge